The following is an entry in ClinVar:

ClinVar aggregate classification (germline): Uncertain significance (1 of 4 stars; one submission).

Conditions:
Developmental and epileptic encephalopathy 6B. Also called: Developmental and epileptic encephalopathy 6B, non-Dravet. Identifiers: MedGen C5543353, MONDO:0030268, OMIM 619317.

Submission:

3billion
Classification: Uncertain significance for Developmental and epileptic encephalopathy 6B. Last evaluated: 2025-02-13. Review status: criteria provided, single submitter. Criteria: ACMG Guidelines, 2015. Collection method: clinical testing. Allele origin: germline. Affected: yes.
Comment: The variant is not observed in the gnomAD v4.1.0 dataset. Predicted Consequence/Location: Canonical splice site: predicted to alter splicing and result in a loss or disruption of normal protein function. Multiple pathogenic loss-of-function variants are reported downstream of the variant. In silico tools predict the variant to alter splicing and produce an abnormal transcript [SpliceAI: 0.99 (spliceogenicity >=0.2, non-spliceogenicity <0.1)]. Therefore, this variant is classified as VUS according to the recommendation of ACMG/AMP guideline.

NM_001165963.4(SCN1A):c.-49-1G>C

Gene: SCN1A (sodium voltage-gated channel alpha subunit 1; minus strand). Cytogenetic location: 2q24.3.
Variant type: single nucleotide variant.
Coding change: c.-49-1G>C on transcript NM_001165963.4 (MANE Select); the canonical splice acceptor site of the intron before 49 bases upstream of the start codon, G replaced by C.
Molecular consequence: splice acceptor variant.
Genome position (GRCh38, 1-based): chr2:166,073,671, C>G on the plus strand (G>C on the coding strand, the complement: SCN1A is on the minus strand). VCF-style: chr2-166073671-C-G. GRCh37 (hg19) VCF-style: chr2-166930181-C-G.
Other names: c.-50G>C (NM_001353948.2, NM_001353951.2, NM_001353955.2 and 1 more transcripts); c.-49-1G>C (NM_001353949.2, NM_001353958.2, NM_001353950.2 and 6 more transcripts); c.-2474-1G>C (NM_001353961.2).
Identifiers: ClinVar variation 4293437 (VCV004293437.1).